The following is an entry in ClinVar:

NM_001252102.2(KIF21B):c.90T>C (p.Cys30=)

Gene: KIF21B (kinesin family member 21B; minus strand). Cytogenetic location: 1q32.1.
Variant type: single nucleotide variant.
Coding change: c.90T>C on transcript NM_001252102.2 (MANE Select); coding-DNA position 90, T replaced by C.
Protein change: p.Cys30=; no amino-acid change (cysteine 30 retained).
Molecular consequence: synonymous variant.
Genome position (GRCh38, 1-based): chr1:201,009,440, A>G on the plus strand (T>C on the coding strand, the complement: KIF21B is on the minus strand). VCF-style: chr1-201009440-A-G. GRCh37 (hg19) VCF-style: chr1-200978568-A-G.
Other names: c.90T>C, p.Cys30= (NM_001252100.2, NM_001252103.2, NM_017596.4).
Identifiers: ClinVar variation 2639741 (VCV002639741.24), dbSNP rs201528216, ClinGen allele CA1321749.
Genomic context (GRCh38, chr1:201,009,440, plus strand): 5'-ATAGGTGAAGGCCTTGTCCTTCCCCAGCAGGACCTGGGGCTCTCCCGGGGTAACAGAGGT[A>G]CAGATGTGACAGCCCTCAATCTTCTCCTTCGACAGCTGGGGCCGGATCCTGCCCATGATG-3'
Protein context (NP_001239031.1, residues 20-40): SKEKIEGCHI[Cys30=]TSVTPGEPQV

ClinVar aggregate classification (germline): Likely benign (1 of 4 stars; one submission).

Allele frequency attached by ClinVar (database versions not stated): ESP Exome Variant Server 0.00008; TOPMed 0.00010; gnomAD 0.00013; gnomAD exomes 0.00021; ExAC 0.00031.
gnomAD v4.1: 329 of 1,614,232 alleles (0.02%); highest among the groups gnomAD compares: South Asian, 0.14%; 2 homozygotes.

Submission:

CeGaT Center for Human Genetics Tuebingen
Classification: Likely benign. Last evaluated: 2022-05-01. Review status: criteria provided, single submitter. Criteria: CeGaT Center For Human Genetics Tuebingen Variant Classification Criteria Version 2. Collection method: clinical testing. Allele origin: germline. Affected: yes. Observed: 1 variant allele.
Comment: KIF21B: BP4, BP7